The following is an entry in ClinVar:

ClinVar aggregate classification (germline): Uncertain significance (1 of 4 stars; one submission).

Submission:

Women's Health and Genetics/Laboratory Corporation of America, LabCorp
Classification: Uncertain significance. Last evaluated: 2025-12-16. Review status: criteria provided, single submitter. Criteria: LabCorp Variant Classification Summary - May 2015. Collection method: clinical testing. Allele origin: germline.
Comment: Variant summary: KARS1 c.-94G>A is located in the untranslated mRNA region upstream of the initiation codon. This variant, also annotated as NM_005548.3 c.1A>G (p.Met1? aka p.Met1Val) results in an initiation codon variant within an alternate transcript; however currently, loss-of-function is not a known mechanism of disease for this transcript (see e.g. PMID: 29615062). The variant was absent in 249060 control chromosomes. The available data on variant occurrences in the general population are insufficient to allow any conclusion about variant significance. To our knowledge, no occurrence of c.-94G>A in individuals affected with KARS1-related conditions and no experimental evidence demonstrating its impact on protein function have been reported. No submitters have cited clinical-significance assessments for this variant to ClinVar. Based on the evidence outlined above, the variant was classified as uncertain significance.

NM_005548.3(KARS1):c.3G>A (p.Met1Ile)

Genes: KARS1 (lysyl-tRNA synthetase 1; minus strand), LOC130059450 (ATAC-STARR-seq lymphoblastoid active region 11144; plus strand). Cytogenetic location: 16q23.1.
Variant type: single nucleotide variant.
Coding change: c.3G>A on transcript NM_005548.3 (MANE Select); coding-DNA position 3, G replaced by A.
Protein change: p.Met1Ile; changes the start codon (methionine 1).
Molecular consequence: missense variant, initiator codon variant. On other transcripts: 5 prime UTR variant (2).
Genome position (GRCh38, 1-based): chr16:75,647,637, C>T on the plus strand (G>A on the coding strand, the complement: KARS1 is on the minus strand). VCF-style: chr16-75647637-C-T. GRCh37 (hg19) VCF-style: chr16-75681535-C-T.
Other names: c.-94G>A (NM_001130089.2); c.-580G>A (NM_001378148.1); short protein forms M1I.
Identifiers: ClinVar variation 4688271 (VCV004688271.1).